The following is an entry in ClinVar:

NM_001042492.3(NF1):c.5327del (p.Gln1775_Ser1776insTer)

Gene: NF1 (neurofibromin 1; plus strand). Cytogenetic location: 17q11.2.
Variant type: Deletion.
Coding change: c.5327del on transcript NM_001042492.3 (MANE Select); coding-DNA position 5327, one base deleted (C; older notation c.5327delC).
Protein change: p.Gln1775_Ser1776insTer.
Molecular consequence: nonsense. On other transcripts: frameshift variant (1).
Genome position (GRCh38, 1-based): chr17:31,327,557, C deleted. VCF-style (leftmost placement, unchanged base first): chr17-31327556-TC-T. GRCh37 (hg19) VCF-style: chr17-29654574-TC-T.
Other names: c.5264delC (NM_000267.3); c.5264delC, p.Ser1755Terfs (NM_000267.4).
Identifiers: ClinVar variation 429011 (VCV000429011.5), dbSNP rs1131691128, ClinGen allele CA645369648.

ClinVar aggregate classification (germline): Pathogenic (1 of 4 stars; one submission).

Conditions:
Hereditary cancer-predisposing syndrome. Also called: Hereditary Cancer Syndrome; Neoplastic Syndromes, Hereditary; Hereditary neoplastic syndrome; Tumor predisposition. Identifiers: Orphanet 140162, MedGen C0027672, MeSH D009386, MONDO:0015356.
Cardiovascular phenotype. Identifiers: MedGen CN230736.

Submission:

Ambry Genetics
Classification: Pathogenic for Cardiovascular phenotype; Hereditary cancer-predisposing syndrome. Last evaluated: 2016-10-24. Review status: criteria provided, single submitter. Criteria: Ambry Variant Classification Scheme 2023. Collection method: clinical testing. Allele origin: germline.
Comment: The c.5264delC pathogenic mutation, located in coding exon 37 of the NF1 gene, results from a deletion of one nucleotide at nucleotide position 5264, causing a translational frameshift with a predicted alternate stop codon. This alteration is expected to result in loss of function by premature protein truncation or nonsense-mediated mRNA decay. As such, this alteration is interpreted as a disease-causing mutation.